The following is an entry in ClinVar:

NM_000268.4(NF2):c.735C>G (p.Asp245Glu)

Gene: NF2 (NF2, moesin-ezrin-radixin like (MERLIN) tumor suppressor; plus strand). Cytogenetic location: 22q12.2.
Variant type: single nucleotide variant.
Coding change: c.735C>G on transcript NM_000268.4 (MANE Select); coding-DNA position 735, C replaced by G.
Protein change: p.Asp245Glu; replaces aspartic acid 245 with glutamic acid.
Molecular consequence: missense variant. On other transcripts: non-coding transcript variant (1), intron variant (4).
Genome position (GRCh38, 1-based): chr22:29,661,264, C>G. VCF-style: chr22-29661264-C-G. GRCh37 (hg19) VCF-style: chr22-30057253-C-G.
Other names: c.504C>G, p.Asp168Glu (NM_001407067.1); c.735C>G, p.Asp245Glu (NM_016418.5, NM_181825.3, NM_181832.3 and 2 more transcripts); c.609C>G, p.Asp203Glu (NM_181828.3, NM_001407055.1); c.612C>G, p.Asp204Glu (NM_181829.3, NM_001407054.1, NM_001407058.1); c.486C>G, p.Asp162Glu (NM_181830.3, NM_181831.3, NM_001407063.1 and 1 more transcripts); c.675+3000C>G (NM_001407059.1, NM_001407057.1); c.447+18979C>G (NM_181833.3); c.552+3000C>G (NM_001407062.1); and 2 more; short protein forms D203E, D204E, D207E, D67E, D245E, D162E, D168E.
Identifiers: ClinVar variation 3660287 (VCV003660287.2).
Genomic context (GRCh38, chr22:29,661,264, plus strand): 5'-GAATAAAAAGGGCACAGAGCTGCTGCTTGGAGTGGATGCCCTGGGGCTTCACATTTATGA[C>G]CCTGAGAACAGACTGACCCCCAAGATCTCCTTCCCGTGGAATGAAATCCGAAACATCTCG-3'
Protein context (NP_000259.1, residues 235-255): GVDALGLHIY[Asp245Glu]PENRLTPKIS

ClinVar aggregate classification (germline): Uncertain significance (1 of 4 stars; one submission).

Conditions:
Neurofibromatosis, type 2 (SWNV). Also called: BILATERAL ACOUSTIC NEUROFIBROMATOSIS; SCHWANNOMATOSIS, VESTIBULAR; NF2-Related Schwannomatosis. Identifiers: Orphanet 637, MedGen C0027832, MONDO:0007039, OMIM 101000. Disease mechanism: loss of function.

Submission:

Labcorp Genetics (formerly Invitae), Labcorp
Classification: Uncertain significance for Neurofibromatosis, type 2. Last evaluated: 2024-07-23. Review status: criteria provided, single submitter. Criteria: Invitae Variant Classification Sherloc (09022015). Collection method: clinical testing. Allele origin: germline.
Comment: This sequence change replaces aspartic acid, which is acidic and polar, with glutamic acid, which is acidic and polar, at codon 245 of the NF2 protein (p.Asp245Glu). This variant is not present in population databases (gnomAD no frequency). This variant has not been reported in the literature in individuals affected with NF2-related conditions. Advanced modeling of protein sequence and biophysical properties (such as structural, functional, and spatial information, amino acid conservation, physicochemical variation, residue mobility, and thermodynamic stability) performed at Invitae indicates that this missense variant is not expected to disrupt NF2 protein function with a negative predictive value of 80%. In summary, the available evidence is currently insufficient to determine the role of this variant in disease. Therefore, it has been classified as a Variant of Uncertain Significance.